The following is an entry in ClinVar:

NM_000092.5(COL4A4):c.5059G>A (p.Val1687Met)

Gene: COL4A4 (collagen type IV alpha 4 chain; minus strand). Cytogenetic location: 2q36.3.
Variant type: single nucleotide variant.
Coding change: c.5059G>A on transcript NM_000092.5 (MANE Select); coding-DNA position 5059, G replaced by A.
Protein change: p.Val1687Met; replaces valine 1687 with methionine.
Molecular consequence: missense variant.
Genome position (GRCh38, 1-based): chr2:227,007,339, C>T on the plus strand (G>A on the coding strand, the complement: COL4A4 is on the minus strand). VCF-style: chr2-227007339-C-T. GRCh37 (hg19) VCF-style: chr2-227872055-C-T.
Other names: short protein forms V1687M.
Identifiers: ClinVar variation 2143939 (VCV002143939.6), dbSNP rs773342435, ClinGen allele CA2143991.
Genomic context (GRCh38, chr2:227,007,339, plus strand): 5'-CCCTAGGAAGTTTCTCTTGGCCACGTGTTGGTGAATTTCGCATTCTCTAGCTATACTTCA[C>T]GCAGACCTGGCACCGGCTGATTTTCTGGCGTTGGGCCTGGCTTTCTTTTAAGGTGTCTGG-3'
Protein context (NP_000083.3, residues 1677-1690): RQKISRCQVC[Val1687Met]KYS

ClinVar aggregate classification (germline): Conflicting classifications of pathogenicity. Review status: criteria provided, conflicting classifications (1 of 4 stars). 3 submissions from 3 submitters: Uncertain significance (1); Likely benign (2). Last evaluated 2025-11-24.

Conditions:
Inborn genetic diseases. Identifiers: MedGen C0950123, MeSH D030342.

Allele frequency attached by ClinVar (database versions not stated): gnomAD 0.00001; ExAC 0.00007.
gnomAD v4.1: 27 of 1,614,102 alleles (0.0017%); highest among the groups gnomAD compares: South Asian, 0.011%; no homozygotes.

Submissions (3):

Labcorp Genetics (formerly Invitae), Labcorp
Classification: Likely benign. Last evaluated: 2025-11-24. Review status: criteria provided, single submitter. Criteria: Invitae Variant Classification Sherloc (09022015). Collection method: clinical testing. Allele origin: germline.

Ambry Genetics
Classification: Likely benign for Inborn genetic diseases. Last evaluated: 2025-04-08. Review status: criteria provided, single submitter. Criteria: Ambry Variant Classification Scheme 2023. Collection method: clinical testing. Allele origin: germline.

GeneDx
Classification: Uncertain significance. Last evaluated: 2024-02-26. Review status: criteria provided, single submitter. Criteria: GeneDx Variant Classification Process June 2021. Collection method: clinical testing. Allele origin: germline. Affected: yes.
Comment: In silico analysis supports that this missense variant does not alter protein structure/function; Has not been previously published as pathogenic or benign to our knowledge